The following is an entry in ClinVar:

NM_007156.5(ZXDA):c.818T>A (p.Leu273Gln)

Gene: ZXDA (zinc finger X-linked duplicated A; minus strand). Cytogenetic location: Xp11.21.
Variant type: single nucleotide variant.
Coding change: c.818T>A on transcript NM_007156.5 (MANE Select); coding-DNA position 818, T replaced by A.
Protein change: p.Leu273Gln; replaces leucine 273 with glutamine.
Molecular consequence: missense variant.
Genome position (GRCh38, 1-based): chrX:57,909,603, A>T on the plus strand (T>A on the coding strand, the complement: ZXDA is on the minus strand). VCF-style: chrX-57909603-A-T. GRCh37 (hg19) VCF-style: chrX-57936037-A-T.
Other names: c.818T>A (NM_007156.4); short protein forms L273Q.
Identifiers: ClinVar variation 2660733 (VCV002660733.25), dbSNP rs146299197, ClinGen allele CA10431535.

ClinVar aggregate classification (germline): Likely benign. Review status: criteria provided, multiple submitters, no conflicts (2 of 4 stars). 2 submissions from 2 submitters: Likely benign (2). Last evaluated 2024-09-04.

Allele frequency attached by ClinVar (database versions not stated): gnomAD 0.00004; gnomAD exomes 0.00007; TOPMed 0.00010; ExAC 0.00011; ESP Exome Variant Server 0.00019.

Submissions (2):

Ambry Genetics
Classification: Likely benign. Last evaluated: 2024-09-04. Review status: criteria provided, single submitter. Criteria: Ambry Variant Classification Scheme 2023. Collection method: clinical testing. Allele origin: germline.

CeGaT Center for Human Genetics Tuebingen
Classification: Likely benign. Last evaluated: 2023-04-01. Review status: criteria provided, single submitter. Criteria: CeGaT Center For Human Genetics Tuebingen Variant Classification Criteria Version 2. Collection method: clinical testing. Allele origin: germline. Affected: yes. Observed: 1 variant allele.
Comment: ZXDA: BS2